The following is an entry in ClinVar:

ClinVar aggregate classification (germline): Uncertain significance (1 of 4 stars; one submission).

Allele frequency attached by ClinVar (database versions not stated): TOPMed below 0.00001.

Submission:

Labcorp Genetics (formerly Invitae), Labcorp
Classification: Uncertain significance. Last evaluated: 2023-10-03. Review status: criteria provided, single submitter. Criteria: Invitae Variant Classification Sherloc (09022015). Collection method: clinical testing. Allele origin: germline.
Comment: This sequence change replaces valine, which is neutral and non-polar, with leucine, which is neutral and non-polar, at codon 1457 of the FLNB protein (p.Val1457Leu). This variant is present in population databases (no rsID available, gnomAD 0.007%). This variant has not been reported in the literature in individuals affected with FLNB-related conditions. Advanced modeling of protein sequence and biophysical properties (such as structural, functional, and spatial information, amino acid conservation, physicochemical variation, residue mobility, and thermodynamic stability) performed at Invitae indicates that this missense variant is not expected to disrupt FLNB protein function. In summary, the available evidence is currently insufficient to determine the role of this variant in disease. Therefore, it has been classified as a Variant of Uncertain Significance.

NM_001457.4(FLNB):c.4369G>T (p.Val1457Leu)

Gene: FLNB (filamin B; plus strand). Cytogenetic location: 3p14.3.
Variant type: single nucleotide variant.
Coding change: c.4369G>T on transcript NM_001457.4 (MANE Select); coding-DNA position 4369, G replaced by T.
Protein change: p.Val1457Leu; replaces valine 1457 with leucine.
Molecular consequence: missense variant.
Genome position (GRCh38, 1-based): chr3:58,130,887, G>T. VCF-style: chr3-58130887-G-T. GRCh37 (hg19) VCF-style: chr3-58116614-G-T.
Other names: c.4369G>T, p.Val1457Leu (NM_001164317.2, NM_001164318.2, NM_001164319.2); short protein forms V1457L.
Identifiers: ClinVar variation 2723357 (VCV002723357.3), dbSNP rs1390286258, ClinGen allele CA353350890.